The following is an entry in ClinVar:

ClinVar aggregate classification (germline): Pathogenic (1 of 4 stars; one submission).

Submission:

Labcorp Genetics (formerly Invitae), Labcorp
Classification: Pathogenic. Last evaluated: 2025-12-22. Review status: criteria provided, single submitter. Criteria: Invitae Variant Classification Sherloc (09022015). Collection method: clinical testing. Allele origin: germline.
Comment: This sequence change creates a premature translational stop signal (p.Arg106Glyfs*10) in the ILDR1 gene. It is expected to result in an absent or disrupted protein product. Loss-of-function variants in ILDR1 are known to be pathogenic (PMID: 21255762). This variant is not present in population databases (gnomAD no frequency). This variant has not been reported in the literature in individuals affected with ILDR1-related conditions. For these reasons, this variant has been classified as Pathogenic.

Literature cited by the submitters: PubMed 21255762.

NM_001199799.2(ILDR1):c.316del (p.Arg106fs)

Gene: ILDR1 (immunoglobulin like domain containing receptor 1; minus strand). Cytogenetic location: 3q13.33.
Variant type: Deletion.
Coding change: c.316del on transcript NM_001199799.2 (MANE Select); coding-DNA position 316, one base deleted (C; older notation c.316delC).
Protein change: p.Arg106fs; shifts the reading frame from arginine 106.
Molecular consequence: frameshift variant.
Genome position (GRCh38, 1-based): chr3:122,005,307, G deleted on the plus strand (C on the coding strand, the reverse complement: ILDR1 is on the minus strand). VCF-style (leftmost placement, unchanged base first): chr3-122005306-CG-C. GRCh37 (hg19) VCF-style: chr3-121724153-CG-C.
Other names: c.316del, p.Arg106fs (NM_001199800.2, NM_175924.4); short protein forms R106fs.
Identifiers: ClinVar variation 4807827 (VCV004807827.1).